The following is an entry in ClinVar:

NM_000543.5(SMPD1):c.657G>A (p.Thr219=)

Gene: SMPD1 (sphingomyelin phosphodiesterase 1; plus strand). Cytogenetic location: 11p15.4.
Variant type: single nucleotide variant.
Coding change: c.657G>A on transcript NM_000543.5 (MANE Select); coding-DNA position 657, G replaced by A.
Protein change: p.Thr219=; no amino-acid change (threonine 219 retained).
Molecular consequence: synonymous variant. On other transcripts: 5 prime UTR variant (1), non-coding transcript variant (1).
Genome position (GRCh38, 1-based): chr11:6,391,722, G>A. VCF-style: chr11-6391722-G-A. GRCh37 (hg19) VCF-style: chr11-6412952-G-A.
Other names: c.654G>A, p.Thr218= (NM_001007593.3); c.657G>A, p.Thr219= (NM_001318087.2, NM_001365135.2); c.-305G>A (NM_001318088.2).
Identifiers: ClinVar variation 500262 (VCV000500262.16), dbSNP rs202032347, ClinGen allele CA5852656.
Genomic context (GRCh38, chr11:6,391,722, plus strand): 5'-TGTCAGCCGCATCCTCTTCCTCACTGACCTGCACTGGGATCATGACTACCTGGAGGGCAC[G>A]GACCCTGACTGTGCAGACCCACTGTGCTGCCGCCGGGGTTCTGGCCTGCCGCCCGCATCC-3'
Protein context (NP_000534.3, residues 209-229): LHWDHDYLEG[Thr219=]DPDCADPLCC

ClinVar aggregate classification (germline): Conflicting classifications of pathogenicity. Review status: criteria provided, conflicting classifications (1 of 4 stars). 4 submissions from 4 submitters: Uncertain significance (1); Likely benign (3). Last evaluated 2026-05-19.

Conditions:
SMPD1-related disorder. Also called: SMPD1-related condition.
Inborn genetic diseases. Identifiers: MedGen C0950123, MeSH D030342.
Niemann-Pick disease, type A. Also called: Infantile Neurovisceral ASMD (Niemann-Pick Disease Type A; NPD-A); SPHINGOMYELIN LIPIDOSIS; SPHINGOMYELINASE DEFICIENCY. Identifiers: Orphanet 77292, MedGen C0268242, MONDO:0009756, OMIM 257200. Disease mechanism: loss of function.
Niemann-Pick disease, type B. Also called: Chronic Visceral ASMD (Niemann-Pick Disease Type B; NPD-B). Identifiers: Orphanet 77293, MedGen C0268243, MONDO:0011871, OMIM 607616. Disease mechanism: loss of function.

Allele frequency attached by ClinVar (database versions not stated): ExAC 0.00002; gnomAD exomes 0.00005; TOPMed 0.00015; gnomAD 0.00017; 1000 Genomes Project 0.00020; 1000 Genomes Project 30x 0.00031.

Submissions (4):

PreventionGenetics, part of Exact Sciences
Classification: Likely benign for SMPD1-related condition. Last evaluated: 2026-05-19. Review status: criteria provided, single submitter. Criteria: ACMG Guidelines, 2015. Collection method: clinical testing. Allele origin: germline.
Comment: This variant is classified as likely benign based on ACMG/AMP sequence variant interpretation guidelines (Richards et al. 2015 PMID: 25741868, with internal and published modifications).

Labcorp Genetics (formerly Invitae), Labcorp
Classification: Likely benign for Niemann-Pick disease, type B; Niemann-Pick disease, type A. Last evaluated: 2026-02-04. Review status: criteria provided, single submitter. Criteria: Invitae Variant Classification Sherloc (09022015). Collection method: clinical testing. Allele origin: germline.

Ambry Genetics
Classification: Likely benign for Inborn genetic diseases. Last evaluated: 2022-04-01. Review status: criteria provided, single submitter. Criteria: Ambry Variant Classification Scheme 2023. Collection method: clinical testing. Allele origin: germline.

Eurofins Ntd Llc (ga)
Classification: Uncertain significance. Last evaluated: 2017-10-26. Review status: criteria provided, single submitter. Criteria: EGL Classification Definitions 2015. Collection method: clinical testing. Allele origin: germline. Observed: 2 variant alleles, 2 heterozygotes.